The following is an entry in ClinVar:

NM_001171.6(ABCC6):c.179_187del (p.Arg60_Tyr62del)

Gene: ABCC6 (ATP binding cassette subfamily C member 6; minus strand). Cytogenetic location: 16p13.11.
Variant type: Deletion.
Coding change: c.179_187del on transcript NM_001171.6 (MANE Select); coding-DNA positions 179 to 187, 9 bases deleted (GGGGCTACC; older notation c.179_187delGGGGCTACC).
Protein change: p.Arg60_Tyr62del.
Molecular consequence: inframe deletion. On other transcripts: 5 prime UTR variant (1), non-coding transcript variant (1).
Genome position (GRCh38, 1-based): chr16:16,221,681-16,221,689, GGTAGCCCC deleted on the plus strand (GGGGCTACC on the coding strand, the reverse complement: ABCC6 is on the minus strand); deleting any 9 consecutive bases within chr16:16,221,681-16,221,691 gives the same sequence; the c. name uses the placement nearest the transcript's 3' end. VCF-style (leftmost placement, unchanged base first): chr16-16221680-AGGTAGCCCC-A. GRCh37 (hg19) VCF-style: chr16-16315537-AGGTAGCCCC-A.
Other names: ABCC6_00379;c.179_190delinsTCC;ABCC6_00406;c.177_185del; c.179_187del, p.Arg60_Tyr62del (NM_001079528.4); c.-195_-187del (NM_001351800.1).
Identifiers: ClinVar variation 433371 (VCV000433371.7), dbSNP rs74315110, ClinGen allele CA279014402.
Genomic context (GRCh38, chr16:16,221,680, plus strand): 5'-GGTTCCAGGCTCCCAGGGATGGCAGCTACCATCTTGGCTTTGAAGAGTGGGGACATCCGG[AGGTAGCCCC>A]GGCCATGGTGGTGGATGAAGAGGAGGTAGATGGGACCAAGGACCCAGAGGTACATGGGGG-3'

ClinVar aggregate classification (germline): Conflicting classifications of pathogenicity. Review status: criteria provided, conflicting classifications (1 of 4 stars). 4 submissions from 4 submitters: Likely pathogenic (2); Uncertain significance (1). 1 of the submissions does not count toward it. Last evaluated 2026-06-09.

Conditions:
Autosomal recessive inherited pseudoxanthoma elasticum (PXE). Identifiers: Orphanet 758, MedGen CN032334, MONDO:0009925, OMIM 264800.
Retinal disorder. Also called: Retinopathies; Retinal Diseases; Retinal disorders; Retinopathy. Identifiers: MedGen C0035309, MONDO:0005283, HP:0000488.

Submissions (4):

Genetics Laboratory, Great Ormond Street Hospital NHS Foundation Trust, North Thames Genomic Laboratory Hub
Classification: Likely pathogenic for Retinal disorders. Last evaluated: 2026-06-09. Review status: criteria provided, single submitter. Criteria: ACGS Best Practice Guidelines for Variant Classification in Rare Disease 2024 v1.2. Collection method: clinical testing. Allele origin: germline. Affected: yes.
Comment: PM2_moderate, PM4_moderate, PM3_supporting, PP4_supporting

Blueprint Genetics
Classification: Uncertain significance. Last evaluated: 2022-11-10. Review status: criteria provided, single submitter. Criteria: ACMG Guidelines, 2015. Collection method: clinical testing. Allele origin: germline.

GeneDx
Classification: Likely pathogenic. Last evaluated: 2020-02-20. Review status: criteria provided, single submitter. Criteria: GeneDx Variant Classification Process June 2021. Collection method: clinical testing. Allele origin: germline. Affected: yes.
Comment: Not observed in large population cohorts (Lek et al., 2016); In-frame deletion of 3 amino acids in a non-repeat region; In silico analysis supports a deleterious effect on protein structure/function; This variant is associated with the following publications: (PMID: 17617515, 16086317, 11702217)

PXE International
Classification: Uncertain significance for Autosomal recessive inherited pseudoxanthoma elasticum. Last evaluated: 2021-02-16. Review status: no assertion criteria provided. Collection method: research. Allele origin: germline. Inheritance: Autosomal recessive inheritance. Affected: yes. Observed: 4 variant alleles. Clinical features observed: Papule (HP:0200034), Skin plaque (HP:0200035), Angioid streaks (HP:0001102), Intermittent claudication (HP:0004417). Not counted in ClinVar's aggregate classification.